The following is an entry in ClinVar:

NM_024675.4(PALB2):c.3419G>C (p.Trp1140Ser)

Gene: PALB2 (partner and localizer of BRCA2; minus strand). Cytogenetic location: 16p12.2.
Variant type: single nucleotide variant.
Coding change: c.3419G>C on transcript NM_024675.4 (MANE Select); coding-DNA position 3419, G replaced by C.
Protein change: p.Trp1140Ser; replaces tryptophan 1140 with serine.
Molecular consequence: missense variant.
Genome position (GRCh38, 1-based): chr16:23,603,601, C>G on the plus strand (G>C on the coding strand, the complement: PALB2 is on the minus strand). VCF-style: chr16-23603601-C-G. GRCh37 (hg19) VCF-style: chr16-23614922-C-G.
Other names: short protein forms W1140S.
Identifiers: ClinVar variation 410219 (VCV000410219.23), dbSNP rs1060502809, ClinGen allele CA16615061.

ClinVar aggregate classification (germline): Uncertain significance. Review status: criteria provided, multiple submitters, no conflicts (2 of 4 stars). 4 submissions from 4 submitters: Uncertain significance (4). Last evaluated 2025-05-13.

Conditions:
Hereditary cancer-predisposing syndrome. Also called: Tumor predisposition; Hereditary Cancer Syndrome; Hereditary neoplastic syndrome; Neoplastic Syndromes, Hereditary. Identifiers: Orphanet 140162, MedGen C0027672, MeSH D009386, MONDO:0015356.
Familial cancer of breast. Also called: BREAST CANCER, FAMILIAL; Hereditary breast cancer; hereditary breast carcinoma. Identifiers: Orphanet 227535, MedGen C0346153, MONDO:0016419, OMIM 114480. Disease mechanism: loss of function.

Allele frequency attached by ClinVar (database versions not stated): gnomAD 0.00001; TOPMed 0.00001.
gnomAD v4.1: 1 of 1,613,846 alleles (0.000062%); highest among the groups gnomAD compares: African/African-American, 0.0013%; no homozygotes.

Submissions (4):

Labcorp Genetics (formerly Invitae), Labcorp
Classification: Uncertain significance for Familial cancer of breast. Last evaluated: 2025-05-13. Review status: criteria provided, single submitter. Criteria: Invitae Variant Classification Sherloc (09022015). Collection method: clinical testing. Allele origin: germline.
Comment: This sequence change replaces tryptophan, which is neutral and slightly polar, with serine, which is neutral and polar, at codon 1140 of the PALB2 protein (p.Trp1140Ser). This variant is present in population databases (no rsID available, gnomAD 0.01%). This variant has not been reported in the literature in individuals affected with PALB2-related conditions. ClinVar contains an entry for this variant (Variation ID: 410219). An algorithm developed to predict the effect of missense changes on protein structure and function (PolyPhen-2) suggests that this variant is likely to be disruptive. In summary, the available evidence is currently insufficient to determine the role of this variant in disease. Therefore, it has been classified as a Variant of Uncertain Significance.

Ambry Genetics
Classification: Uncertain significance for Hereditary cancer-predisposing syndrome. Last evaluated: 2025-01-26. Review status: criteria provided, single submitter. Criteria: Ambry Variant Classification Scheme 2023. Collection method: clinical testing. Allele origin: germline.
Comment: The p.W1140S variant (also known as c.3419G>C), located in coding exon 13 of the PALB2 gene, results from a G to C substitution at nucleotide position 3419. The tryptophan at codon 1140 is replaced by serine, an amino acid with highly dissimilar properties. This amino acid position is highly conserved in available vertebrate species. In addition, the in silico prediction for this alteration is inconclusive. Since supporting evidence is limited at this time, the clinical significance of this alteration remains unclear.

Quest Diagnostics Nichols Institute San Juan Capistrano
Classification: Uncertain significance. Last evaluated: 2024-10-31. Review status: criteria provided, single submitter. Criteria: Quest Diagnostics criteria. Collection method: clinical testing. Allele origin: unknown.
Comment: The PALB2 c.3419G (p.Trp1140Ser) variant has not been reported in individuals with PALB2-related conditions in the published literature. The frequency of this variant in the general population, 0.000032 (1/31380 chromosomes (Genome Aggregation Database)), is uninformative in the assessment of its pathogenicity. Analysis of this variant using bioinformatics tools for the prediction of the effect of amino acid changes on protein structure and function yielded predictions that this variant is damaging. Based on the available information, we are unable to determine the clinical significance of this variant.

Color Diagnostics, LLC DBA Color Health
Classification: Uncertain significance for Hereditary cancer-predisposing syndrome. Last evaluated: 2024-03-06. Review status: criteria provided, single submitter. Criteria: ACMG Guidelines, 2015. Collection method: clinical testing. Allele origin: germline.
Comment: This missense variant replaces tryptophan with serine at codon 1140 of the PALB2 protein. Computational prediction suggests that this variant may not impact protein structure and function (internally defined REVEL score threshold <= 0.5, PMID: 27666373). To our knowledge, functional studies have not been reported for this variant. This variant has not been reported in individuals affected with hereditary cancer in the literature. This variant has been identified in 1/31380 chromosomes in the general population by the Genome Aggregation Database (gnomAD). The available evidence is insufficient to determine the role of this variant in disease conclusively. Therefore, this variant is classified as a Variant of Uncertain Significance.